The following is an entry in ClinVar:

ClinVar aggregate classification (germline): Uncertain significance. Review status: criteria provided, multiple submitters, no conflicts (2 of 4 stars). 2 submissions from 2 submitters: Uncertain significance (2). Last evaluated 2025-02-09.

Conditions:
Hereditary cancer-predisposing syndrome. Also called: Neoplastic Syndromes, Hereditary; Tumor predisposition; Hereditary neoplastic syndrome; Hereditary Cancer Syndrome. Identifiers: Orphanet 140162, MedGen C0027672, MeSH D009386, MONDO:0015356.

Allele frequency attached by ClinVar (database versions not stated): gnomAD exomes below 0.00001.
gnomAD v4.1: 2 of 1,613,744 alleles (0.00012%); highest among the groups gnomAD compares: Non-Finnish European, 0.00017%; no homozygotes.

Submissions (2):

Ambry Genetics
Classification: Uncertain significance for Hereditary cancer-predisposing syndrome. Last evaluated: 2025-02-09. Review status: criteria provided, single submitter. Criteria: Ambry Variant Classification Scheme 2023. Collection method: clinical testing. Allele origin: germline.
Comment: The p.V201L variant (also known as c.601G>C), located in coding exon 5 of the CTNNA1 gene, results from a G to C substitution at nucleotide position 601. The valine at codon 201 is replaced by leucine, an amino acid with highly similar properties. This amino acid position is conserved. In addition, this alteration is predicted to be tolerated by in silico analysis. Based on the available evidence, the clinical significance of this variant remains unclear.

Labcorp Genetics (formerly Invitae), Labcorp
Classification: Uncertain significance. Last evaluated: 2024-12-05. Review status: criteria provided, single submitter. Criteria: Invitae Variant Classification Sherloc (09022015). Collection method: clinical testing. Allele origin: germline.
Comment: This sequence change replaces valine, which is neutral and non-polar, with leucine, which is neutral and non-polar, at codon 201 of the CTNNA1 protein (p.Val201Leu). This variant is not present in population databases (gnomAD no frequency). This variant has not been reported in the literature in individuals affected with CTNNA1-related conditions. ClinVar contains an entry for this variant (Variation ID: 837651). Invitae Evidence Modeling of protein sequence and biophysical properties (such as structural, functional, and spatial information, amino acid conservation, physicochemical variation, residue mobility, and thermodynamic stability) indicates that this missense variant is not expected to disrupt CTNNA1 protein function with a negative predictive value of 80%. In summary, the available evidence is currently insufficient to determine the role of this variant in disease. Therefore, it has been classified as a Variant of Uncertain Significance.

NM_001903.5(CTNNA1):c.601G>C (p.Val201Leu)

Gene: CTNNA1 (catenin alpha 1; plus strand). Cytogenetic location: 5q31.2.
Variant type: single nucleotide variant.
Coding change: c.601G>C on transcript NM_001903.5 (MANE Select); coding-DNA position 601, G replaced by C.
Protein change: p.Val201Leu; replaces valine 201 with leucine.
Molecular consequence: missense variant.
Genome position (GRCh38, 1-based): chr5:138,824,542, G>C. VCF-style: chr5-138824542-G-C. GRCh37 (hg19) VCF-style: chr5-138160231-G-C.
Other names: c.601G>C, p.Val201Leu (NM_001290307.3, NM_001323982.2, NM_001323983.1 and 3 more transcripts); c.292G>C, p.Val98Leu (NM_001290309.3); c.232G>C, p.Val78Leu (NM_001290310.3); c.601G>C (NM_001903.2); short protein forms V98L, V201L, V78L.
Identifiers: ClinVar variation 837651 (VCV000837651.8), dbSNP rs199670010, ClinGen allele CA361129401.
Genomic context (GRCh38, chr5:138,824,542, plus strand): 5'-AGCCCATATAAAGAGTGCTCCAATTTCTTGTTTTATTTACTCTTGTAGGAATTGAAAGAT[G>C]TTGGCCATCGTGATCAGATGGCTGCAGCTAGAGGAATCCTGCAGAAGAACGTTCCGATCC-3'
Protein context (NP_001894.2, residues 191-211): AAKRQQELKD[Val201Leu]GHRDQMAAAR